The following is an entry in ClinVar:

NM_152564.5(VPS13B):c.1219C>T (p.Gln407Ter)

Gene: VPS13B (vacuolar protein sorting 13 homolog B; plus strand). Cytogenetic location: 8q22.2.
Variant type: single nucleotide variant.
Coding change: c.1219C>T on transcript NM_152564.5 (MANE Select); coding-DNA position 1219, C replaced by T.
Protein change: p.Gln407Ter; replaces glutamine 407 with a stop codon.
Molecular consequence: nonsense.
Genome position (GRCh38, 1-based): chr8:99,134,644, C>T. VCF-style: chr8-99134644-C-T. GRCh37 (hg19) VCF-style: chr8-100146872-C-T.
Other names: c.1219C>T, p.Gln407Ter (NM_017890.5, NM_015243.3); short protein forms Q407*.
Identifiers: ClinVar variation 56645 (VCV000056645.9), dbSNP rs386834070, ClinGen allele CA264025.

ClinVar aggregate classification (germline): Pathogenic. Review status: criteria provided, multiple submitters, no conflicts (2 of 4 stars). 8 submissions from 8 submitters: Pathogenic (5). 3 of the submissions do not count toward it. Last evaluated 2025-05-27.

Conditions:
VPS13B-related disorder. Also called: VPS13B-related condition.
Global developmental delay (DD). Also called: Cognitive delay. Identifiers: MedGen C0557874, HP:0001263. Disease mechanism: loss of function.
Microcephaly. Also called: Microcephaly (disease). Identifiers: MedGen C4551563, MONDO:0001149, HP:0000252.
Intellectual disability. Also called: intellectual disabilities; Intellectual developmental disorder; Intellectual functioning disability. Identifiers: MedGen C3714756, MeSH D008607, MONDO:0001071, HP:0001249.
Hypotonia. Also called: Muscular hypotonia; poor muscle tone. Identifiers: MedGen C0026827, HP:0001252.
Generalized joint hypermobility. Also called: Generalized joint laxity. Identifiers: MedGen C1836308, HP:0002761.
Carious teeth. Also called: Dental caries. Identifiers: MedGen C0011334, MONDO:0005276, HP:0000670.
Unsteady gait. Identifiers: MedGen C0231686, HP:0002317.
Attention deficit hyperactivity disorder (ADHD). Also called: Attention-Deficit/Hyperactivity Disorder. Identifiers: MedGen C1263846, MONDO:0007743, HP:0007018.
Cohen syndrome (COH1). Also called: PEPPER SYNDROME; Cutis verticis gyrata, retinitis pigmentosa, and sensorineural deafness. Identifiers: Orphanet 193, MedGen C0265223, MONDO:0008999, OMIM 216550.

Submissions (8):

PreventionGenetics, part of Exact Sciences
Classification: Pathogenic for VPS13B-related condition. Last evaluated: 2025-05-27. Review status: criteria provided, single submitter. Criteria: ACMG Guidelines, 2015. Collection method: clinical testing. Allele origin: germline.
Comment: The VPS13B c.1219C>T variant is predicted to result in premature protein termination (p.Gln407*). This variant has been reported in the homozygous state in multiple individuals with phenotypes consistent with Cohen syndrome (Mochida et al. 2004. PubMed ID: 15173253; Charng et al. 2016. PubMed ID: 27435318). This variant has not been reported in a large population database (gnomAD), indicating this variant is rare. Nonsense variants in VPS13B are expected to be pathogenic. This variant is classified as pathogenic.

Revvity Omics, Revvity
Classification: Pathogenic for Cohen syndrome. Last evaluated: 2024-04-15. Review status: criteria provided, single submitter. Criteria: ACMG Guidelines, 2015. Collection method: clinical testing. Allele origin: germline.

Genomic Medicine Center of Excellence, King Faisal Specialist Hospital and Research Centre
Classification: Pathogenic for Cohen syndrome. Last evaluated: 2024-03-17. Review status: criteria provided, single submitter. Criteria: ACMG Guidelines, 2015. Collection method: research. Allele origin: germline.

GeneDx
Classification: Pathogenic. Last evaluated: 2023-07-21. Review status: criteria provided, single submitter. Criteria: GeneDx Variant Classification Process June 2021. Collection method: clinical testing. Allele origin: germline. Affected: yes.
Comment: Nonsense variant predicted to result in protein truncation or nonsense mediated decay in a gene for which loss of function is a known mechanism of disease; Not observed at significant frequency in large population cohorts (gnomAD); This variant is associated with the following publications: (PMID: 27435318, 25525159, 19006247, 15173253)

Pathology and Clinical Laboratory Medicine, King Fahad Medical City
Classification: Pathogenic for Cohen syndrome. Review status: criteria provided, single submitter. Criteria: ACMG Guidelines, 2015. Collection method: clinical testing. Allele origin: germline. Affected: yes. Observed: 6 variant alleles.

Biochemical Molecular Genetic Laboratory, King Abdulaziz Medical City
Classification: Pathogenic for Cohen syndrome. Last evaluated: 2018-04-27. Review status: no assertion criteria provided. Collection method: clinical testing. Allele origin: germline. Affected: yes. Not counted in ClinVar's aggregate classification.

Lupski Lab, Baylor-Hopkins CMG, Baylor College of Medicine
Classification: Pathogenic for Global developmental delay; Intellectual disability; Attention deficit hyperactivity disorder; Microcephaly; Hypotonia; Generalized joint hypermobility; Unsteady gait; Carious teeth. Last evaluated: 2016-01-10. Review status: no assertion criteria provided. Collection method: research. Allele origin: inherited. Inheritance: Autosomal recessive inheritance. Affected: yes. Observed: 2 variant alleles, 2 homozygotes. Study: The combination of WES, CNV-derived from WES, paralog studies, and GeneMatcher provide potential molecular diagnosis in a cohort from Saudi Arabia. Not counted in ClinVar's aggregate classification.

Juha Muilu Group; Institute for Molecular Medicine Finland (FIMM)
Classification: Likely pathogenic for Cohen syndrome. Review status: no assertion criteria provided. Collection method: not provided. Allele origin: unknown. Not counted in ClinVar's aggregate classification.
Comment: FinDis database variant: This variant was not found or characterized by our laboratory, data were collected from public sources: see reference
ClinVar note: Converted during submission from probable-pathogenic to Likely pathogenic.